The following is an entry in ClinVar:

ClinVar aggregate classification (germline): Benign/Likely benign. Review status: criteria provided, multiple submitters, no conflicts (2 of 4 stars). 2 submissions from 2 submitters: Benign (1); Likely benign (1). Last evaluated 2024-04-01.

Conditions:
Familial adenomatous polyposis 1 (FAP1). Also called: FAMILIAL ADENOMATOUS POLYPOSIS 1, ATTENUATED; POLYPOSIS, ADENOMATOUS INTESTINAL. Identifiers: MedGen C2713442, MONDO:0021056, OMIM 175100. Disease mechanism: loss of function.
Hereditary cancer-predisposing syndrome. Also called: Tumor predisposition; Hereditary neoplastic syndrome; Hereditary Cancer Syndrome; Neoplastic Syndromes, Hereditary. Identifiers: Orphanet 140162, MedGen C0027672, MeSH D009386, MONDO:0015356.

Submissions (2):

Myriad Genetics, Inc.
Classification: Benign for Familial adenomatous polyposis 1. Last evaluated: 2024-04-01. Review status: criteria provided, single submitter. Criteria: Myriad Autosomal Dominant, Autosomal Recessive and X-Linked Classification Criteria (2023). Collection method: clinical testing. Allele origin: unknown.
Comment: This variant is considered benign. This variant is a silent/synonymous amino acid change and it is not expected to impact splicing.

Color Diagnostics, LLC DBA Color Health
Classification: Likely benign for Hereditary cancer-predisposing syndrome. Last evaluated: 2021-01-19. Review status: criteria provided, single submitter. Criteria: ACMG Guidelines, 2015. Collection method: clinical testing. Allele origin: germline.

NM_000038.6(APC):c.5274T>C (p.Ser1758=)

Gene: APC (APC regulator of Wnt signaling pathway; plus strand). Cytogenetic location: 5q22.2.
Variant type: single nucleotide variant.
Coding change: c.5274T>C on transcript NM_000038.6 (MANE Select); coding-DNA position 5274, T replaced by C.
Protein change: p.Ser1758=; no amino-acid change (serine 1758 retained).
Molecular consequence: synonymous variant.
Genome position (GRCh38, 1-based): chr5:112,840,868, T>C. VCF-style: chr5-112840868-T-C. GRCh37 (hg19) VCF-style: chr5-112176565-T-C.
Other names: c.5274T>C, p.Ser1758= (NM_001127510.3, NM_001354895.2); c.5220T>C, p.Ser1740= (NM_001127511.3); c.5328T>C, p.Ser1776= (NM_001354896.2); c.5304T>C, p.Ser1768= (NM_001354897.2); c.5199T>C, p.Ser1733= (NM_001354898.2); c.5190T>C, p.Ser1730= (NM_001354899.2); c.5151T>C, p.Ser1717= (NM_001354900.2); c.5097T>C, p.Ser1699= (NM_001354901.2); and 5 more.
Identifiers: ClinVar variation 1172185 (VCV001172185.3), dbSNP rs199600387, ClinGen allele CA446209676.